The following is an entry in ClinVar:

NM_001851.6(COL9A1):c.2159G>T (p.Arg720Leu)

Gene: COL9A1 (collagen type IX alpha 1 chain; minus strand). Cytogenetic location: 6q13.
Variant type: single nucleotide variant.
Coding change: c.2159G>T on transcript NM_001851.6 (MANE Select); coding-DNA position 2159, G replaced by T.
Protein change: p.Arg720Leu; replaces arginine 720 with leucine.
Molecular consequence: missense variant. On other transcripts: non-coding transcript variant (1), intron variant (1).
Genome position (GRCh38, 1-based): chr6:70,234,894, C>A on the plus strand (G>T on the coding strand, the complement: COL9A1 is on the minus strand). VCF-style: chr6-70234894-C-A. GRCh37 (hg19) VCF-style: chr6-70944597-C-A.
Other names: c.1460G>T, p.Arg487Leu (NM_001377289.1); c.1430G>T, p.Arg477Leu (NM_078485.4); c.1384-301G>T (NM_001377290.1); short protein forms R477L, R487L, R720L.
Identifiers: ClinVar variation 1053233 (VCV001053233.9), dbSNP rs192467838, ClinGen allele CA364673439.

ClinVar aggregate classification (germline): Uncertain significance (1 of 4 stars; one submission).

Submission:

Labcorp Genetics (formerly Invitae), Labcorp
Classification: Uncertain significance. Last evaluated: 2020-01-27. Review status: criteria provided, single submitter. Criteria: Invitae Variant Classification Sherloc (09022015). Collection method: clinical testing. Allele origin: germline.
Comment: In summary, the available evidence is currently insufficient to determine the role of this variant in disease. Therefore, it has been classified as a Variant of Uncertain Significance. Algorithms developed to predict the effect of missense changes on protein structure and function are either unavailable or do not agree on the potential impact of this missense change (SIFT: "Deleterious"; PolyPhen-2: "Benign"; Align-GVGD: "Class C65"). This variant has not been reported in the literature in individuals with COL9A1-related conditions. This variant is not present in population databases (ExAC no frequency). This sequence change replaces arginine with leucine at codon 720 of the COL9A1 protein (p.Arg720Leu). The arginine residue is highly conserved and there is a moderate physicochemical difference between arginine and leucine.